The following is an entry in ClinVar:

ClinVar aggregate classification (germline): Conflicting classifications of pathogenicity. Review status: criteria provided, conflicting classifications (1 of 4 stars). 2 submissions from 2 submitters: Uncertain significance (1); Likely benign (1). Last evaluated 2023-03-23.

Conditions:
Hereditary cancer-predisposing syndrome. Also called: Tumor predisposition; Hereditary neoplastic syndrome; Hereditary Cancer Syndrome; Neoplastic Syndromes, Hereditary. Identifiers: Orphanet 140162, MedGen C0027672, MeSH D009386, MONDO:0015356.
Hereditary breast ovarian cancer syndrome. Also called: BRCA1- and BRCA2-Associated Hereditary Breast and Ovarian Cancer; Hereditary breast and/or ovarian cancer syndrome; Hereditary breast and ovarian cancer syndrome; Hereditary breast and ovarian cancer; Breast and ovarian cancer; Hereditary breast and ovarian cancer syndrome (HBOC). Identifiers: Orphanet 145, MedGen C0677776, MeSH D061325, MONDO:0003582. Disease mechanism: loss of function.

Submissions (2):

University of Washington Department of Laboratory Medicine, University of Washington
Classification: Likely benign for Hereditary cancer-predisposing syndrome. Last evaluated: 2023-03-23. Review status: criteria provided, single submitter. Criteria: Dines et al. (Genet Med. 2020). Collection method: curation. Allele origin: germline.
Comment: Missense variant in a coldspot region where missense variants are very unlikely to be pathogenic (PMID:31911673).

BRCA1 coldspot (exon 11 using historical exon numbering). Reclassification based on statistical prior probability

Labcorp Genetics (formerly Invitae), Labcorp
Classification: Uncertain significance for Hereditary breast ovarian cancer syndrome. Last evaluated: 2022-02-25. Review status: criteria provided, single submitter. Criteria: Invitae Variant Classification Sherloc (09022015). Collection method: clinical testing. Allele origin: germline.
Comment: This sequence change replaces glutamic acid, which is acidic and polar, with glycine, which is neutral and non-polar, at codon 1185 of the BRCA1 protein (p.Glu1185Gly). This variant is not present in population databases (gnomAD no frequency). This variant has not been reported in the literature in individuals affected with BRCA1-related conditions. ClinVar contains an entry for this variant (Variation ID: 937484). Advanced modeling of protein sequence and biophysical properties (such as structural, functional, and spatial information, amino acid conservation, physicochemical variation, residue mobility, and thermodynamic stability) performed at Invitae indicates that this missense variant is not expected to disrupt BRCA1 protein function. In summary, the available evidence is currently insufficient to determine the role of this variant in disease. Therefore, it has been classified as a Variant of Uncertain Significance.

NM_007294.4(BRCA1):c.3554A>G (p.Glu1185Gly)

Genes: BRCA1 (BRCA1 DNA repair associated; minus strand), LOC126862571 (BRD4-independent group 4 enhancer GRCh37_chr17:41243136-41244335; plus strand). Cytogenetic location: 17q21.31.
Variant type: single nucleotide variant.
Coding change: c.3554A>G on transcript NM_007294.4 (MANE Select); coding-DNA position 3554, A replaced by G.
Protein change: p.Glu1185Gly; replaces glutamic acid 1185 with glycine.
Molecular consequence: missense variant. On other transcripts: intron variant (135).
Genome position (GRCh38, 1-based): chr17:43,091,977, T>C on the plus strand (A>G on the coding strand, the complement: BRCA1 is on the minus strand). VCF-style: chr17-43091977-T-C. GRCh37 (hg19) VCF-style: chr17-41243994-T-C.
Other names: c.3476A>G, p.Glu1159Gly (NM_001407658.1, NM_001407663.1, NM_001407653.1 and 4 more transcripts); c.3473A>G, p.Glu1158Gly (NM_001407659.1, NM_001407660.1, NM_001407661.1 and 1 more transcripts); c.3431A>G, p.Glu1144Gly (NM_001407648.1, NM_001407664.1, NM_001407665.1 and 19 more transcripts); c.3428A>G, p.Glu1143Gly (NM_001407670.1, NM_001407671.1, NM_001407672.1 and 11 more transcripts); c.3554A>G, p.Glu1185Gly (NM_001407652.1, NM_001407581.1, NM_001407582.1 and 30 more transcripts); c.3341A>G, p.Glu1114Gly (NM_001407571.1, NM_001407853.1, NM_001407894.1 and 9 more transcripts); c.3551A>G, p.Glu1184Gly (NM_001407587.1, NM_001407590.1, NM_001407591.1 and 22 more transcripts); c.3545A>G, p.Glu1182Gly (NM_001407646.1, NM_001407647.1); and 41 more; short protein forms E1138G, E1185G, E1073G, E1074G, E1096G, E1143G, E889G, E1097G.
Identifiers: ClinVar variation 937484 (VCV000937484.13), dbSNP rs2053566295, ClinGen allele CA10594857.
Genomic context (GRCh38, chr17:43,091,977, plus strand): 5'-CCTCTTCGGTAACCCTGAGCCAAATGTGTATGGGTGAAAGGGCTAGGACTCCTGCTAAGC[T>C]CTCCTTTCTGGACGCTTTTGCTAAAAACAGCAGAACTTTCCTTAATGTCATTTTCAGCAA-3'
Protein context (NP_009225.1, residues 1175-1195): AVFSKSVQKG[Glu1185Gly]LSRSPSPFTH